The following is an entry in ClinVar:

NM_005267.5(GJA8):c.139G>A (p.Asp47Asn)

Gene: GJA8 (gap junction protein alpha 8; plus strand). Cytogenetic location: 1q21.2.
Variant type: single nucleotide variant.
Coding change: c.139G>A on transcript NM_005267.5 (MANE Select); coding-DNA position 139, G replaced by A.
Protein change: p.Asp47Asn; replaces aspartic acid 47 with asparagine.
Molecular consequence: missense variant.
Genome position (GRCh38, 1-based): chr1:147,908,094, G>A. VCF-style: chr1-147908094-G-A. GRCh37 (hg19) VCF-style: chr1-147380221-G-A.
Other names: c.139G>A (NM_005267.4); short protein forms D47N.
Identifiers: ClinVar variation 8727 (VCV000008727.3), dbSNP rs121434643, ClinGen allele CA119869.

ClinVar aggregate classification (germline): Pathogenic. Review status: criteria provided, multiple submitters, no conflicts (2 of 4 stars). 3 submissions from 3 submitters: Pathogenic (2). 1 of the submissions does not count toward it. Last evaluated 2025-07-31.

Conditions:
GJA8-related disorder. Also called: GJA8-related condition.
Cataract 1 multiple types. Also called: CATARACT, DUFFY-LINKED; CATARACT 1, NUCLEAR PROGRESSIVE; CATARACT 1 WITH MICROCORNEA; CATARACT 1, MULTIPLE TYPES, WITH OR WITHOUT MICROCORNEA; CATARACT 1, POSTERIOR SUBCAPSULAR, WITH MICROCORNEA; CATARACT 1, STELLATE NUCLEAR, WITH MICROCORNEA. Identifiers: Orphanet 1377, MedGen C1861828, MONDO:0007285, OMIM 116200.

Submissions (3):

PreventionGenetics, part of Exact Sciences
Classification: Pathogenic for GJA8-related condition. Last evaluated: 2025-07-31. Review status: criteria provided, single submitter. Criteria: ACMG Guidelines, 2015. Collection method: clinical testing. Allele origin: germline.
Comment: The GJA8 c.139G>A variant is predicted to result in the amino acid substitution p.Asp47Asn. This variant has been reported to segregate in large families with autosomal dominant congenital cataracts, and functional analysis indicates that this variant causes a structural and trafficking defect of the protein (Arora et al. 2008. PubMed ID: 18006672; Wang et al. 2011. PubMed ID: 21921990; Rubinos et al. 2013. PubMed ID: 24005045; Liang et al. 2015. PubMed ID: 26004348). This variant has not been reported in a large population database (gnomAD), indicating this variant is rare. This variant is interpreted as pathogenic.

Dept. Genetics and Cancer, Menzies Institute for Medical Research, University of Tasmania
Classification: Pathogenic for Cataract 1 multiple types. Last evaluated: 2023-01-21. Review status: criteria provided, single submitter. Criteria: ACMG Guidelines, 2015. Collection method: curation. Allele origin: germline. Affected: yes.
Comment: Variant identified and curated during a GJA8 specific review of the literature in relation to pediatric or congenital cataract. ACMG-AMP criteria applied: PP1(Strong), PS4(Moderate), PM1(Supporting), PM2(Supporting), PM5(Supporting), PP3. Original variant report: PMID:18006672;21174522;21921990;26004348;30262699;28544770;28526010. The cataract phenotype/s reported for this variant are: Nuclear, Pulverulent nuclear, Nuclear with punctiform opacities, Zonular, and Perinuclear. Gene review and curation guidelines are outlined in: DOI 10.1080/17469899.2023.2160320

OMIM
Classification: Pathogenic for CATARACT 1, MULTIPLE TYPES. Last evaluated: 2011-03-01. Review status: no assertion criteria provided. Collection method: literature only. Allele origin: germline. Not counted in ClinVar's aggregate classification.

Literature cited by the submitters: PubMed 18006672 (cited by Dept. Genetics and Cancer, Menzies Institute for Medical Research, University of Tasmania and OMIM); PubMed 21174522 (cited by Dept. Genetics and Cancer, Menzies Institute for Medical Research, University of Tasmania and OMIM); PubMed 21921990 (cited by Dept. Genetics and Cancer, Menzies Institute for Medical Research, University of Tasmania); PubMed 26004348 (cited by Dept. Genetics and Cancer, Menzies Institute for Medical Research, University of Tasmania); PubMed 30262699 (cited by Dept. Genetics and Cancer, Menzies Institute for Medical Research, University of Tasmania); PubMed 28544770 (cited by Dept. Genetics and Cancer, Menzies Institute for Medical Research, University of Tasmania); PubMed 28526010 (cited by Dept. Genetics and Cancer, Menzies Institute for Medical Research, University of Tasmania).